The following is an entry in ClinVar:

ClinVar aggregate classification (germline): Uncertain significance (1 of 4 stars; one submission).

Submission:

GeneDx
Classification: Uncertain significance. Last evaluated: 2023-04-18. Review status: criteria provided, single submitter. Criteria: GeneDx Variant Classification Process June 2021. Collection method: clinical testing. Allele origin: germline. Affected: yes.
Comment: Not observed at significant frequency in large population cohorts (gnomAD); In silico analysis supports that this missense variant has a deleterious effect on protein structure/function; Has not been previously published as pathogenic or benign to our knowledge

NM_015100.4(POGZ):c.1874T>G (p.Leu625Arg)

Gene: POGZ (pogo transposable element derived with ZNF domain; minus strand). Cytogenetic location: 1q21.3.
Variant type: single nucleotide variant.
Coding change: c.1874T>G on transcript NM_015100.4 (MANE Select); coding-DNA position 1874, T replaced by G.
Protein change: p.Leu625Arg; replaces leucine 625 with arginine.
Molecular consequence: missense variant.
Genome position (GRCh38, 1-based): chr1:151,411,677, A>C on the plus strand (T>G on the coding strand, the complement: POGZ is on the minus strand). VCF-style: chr1-151411677-A-C. GRCh37 (hg19) VCF-style: chr1-151384153-A-C.
Other names: c.1847T>G, p.Leu616Arg (NM_001194937.2); c.1688T>G, p.Leu563Arg (NM_001194938.2); c.1895T>G, p.Leu632Arg (NM_001410860.1); c.1589T>G, p.Leu530Arg (NM_145796.4); c.1715T>G, p.Leu572Arg (NM_207171.2); short protein forms L530R, L563R, L572R, L616R, L625R, L632R.
Identifiers: ClinVar variation 2663516 (VCV002663516.1), dbSNP rs2529275166, ClinGen allele CA341962789.